The following is an entry in ClinVar:

NM_001184785.2(PARD3):c.120+10_120+33del

Gene: PARD3 (par-3 family cell polarity regulator; minus strand). Cytogenetic location: 10p11.21.
Variant type: Deletion.
Coding change: c.120+10_120+33del on transcript NM_001184785.2 (MANE Select); bases 10 to 33 of the intron after coding-DNA position 120, 24 bases deleted (CGGGGGCGCGGGCGGGGAGGGGGC).
Molecular consequence: intron variant.
Genome position (GRCh38, 1-based): chr10:34,814,843-34,814,866, GCCCCCTCCCCGCCCGCGCCCCCG deleted on the plus strand (CGGGGGCGCGGGCGGGGAGGGGGC on the coding strand, the reverse complement: PARD3 is on the minus strand); deleting any 24 consecutive bases within chr10:34,814,843-34,814,871 gives the same sequence; the c. name uses the placement nearest the transcript's 3' end. VCF-style (leftmost placement, unchanged base first): chr10-34814842-CGCCCCCTCCCCGCCCGCGCCCCCG-C. GRCh37 (hg19) VCF-style: chr10-35103770-CGCCCCCTCCCCGCCCGCGCCCCCG-C.
Other names: c.120+10_120+33del (NM_001184790.2, NM_001184791.2, NM_001184789.2 and 7 more transcripts).
Identifiers: ClinVar variation 3046478 (VCV003046478.2), dbSNP rs936874469, ClinGen allele CA205348785.

ClinVar aggregate classification (germline): Likely benign (0 of 4 stars; one submission).

Conditions:
PARD3-related disorder. Also called: PARD3-related condition.

Submission:

PreventionGenetics, part of Exact Sciences
Classification: Likely benign for PARD3-related condition. Last evaluated: 2023-10-11. Review status: no assertion criteria provided. Collection method: clinical testing. Allele origin: germline.
Comment: This variant is classified as likely benign based on ACMG/AMP sequence variant interpretation guidelines (Richards et al. 2015 PMID: 25741868, with internal and published modifications).